The following is an entry in ClinVar:

ClinVar aggregate classification (germline): Uncertain significance (1 of 4 stars; one submission).

Allele frequency attached by ClinVar (database versions not stated): gnomAD exomes below 0.00001; TOPMed 0.00001.
gnomAD v4.1: 1 of 1,612,460 alleles (0.000062%); highest among the groups gnomAD compares: African/African-American, 0.0013%; no homozygotes.

Submission:

GeneDx
Classification: Uncertain significance. Last evaluated: 2026-10-01. Review status: criteria provided, single submitter. Criteria: GeneDx Variant Classification Process June 2021. Collection method: clinical testing. Allele origin: germline.
Comment: In silico analysis supports that this missense variant has a deleterious effect on protein structure/function; Has not been previously published as pathogenic or benign to our knowledge

NM_021096.4(CACNA1I):c.5523T>G (p.Cys1841Trp)

Gene: CACNA1I (calcium voltage-gated channel subunit alpha1 I; plus strand). Cytogenetic location: 22q13.1.
Variant type: single nucleotide variant.
Coding change: c.5523T>G on transcript NM_021096.4 (MANE Select); coding-DNA position 5523, T replaced by G.
Protein change: p.Cys1841Trp; replaces cysteine 1841 with tryptophan.
Molecular consequence: missense variant.
Genome position (GRCh38, 1-based): chr22:39,679,850, T>G. VCF-style: chr22-39679850-T-G. GRCh37 (hg19) VCF-style: chr22-40075855-T-G.
Other names: c.5418T>G, p.Cys1806Trp (NM_001003406.2); short protein forms C1806W, C1841W.
Identifiers: ClinVar variation 1804574 (VCV001804574.2), dbSNP rs1213081397, ClinGen allele CA411638144.